The following is an entry in ClinVar:

ClinVar aggregate classification (germline): Uncertain significance (1 of 4 stars; one submission).

Submission:

Labcorp Genetics (formerly Invitae), Labcorp
Classification: Uncertain significance. Last evaluated: 2023-12-19. Review status: criteria provided, single submitter. Criteria: Invitae Variant Classification Sherloc (09022015). Collection method: clinical testing. Allele origin: unknown.
Comment: This variant is a gross deletion of the genomic region encompassing exon(s) 8-9 of the FOCAD gene. This deletion is out-of-frame, and is expected to create a premature translational stop signal and result in an absent or disrupted protein product. However, the current clinical and genetic evidence is not sufficient to establish whether loss-of-function variants in FOCAD cause disease. This variant has not been reported in the literature in individuals affected with FOCAD-related conditions. Experimental studies and prediction algorithms are not available or were not evaluated, and the functional significance of this variant is currently unknown. In summary, the available evidence is currently insufficient to determine the role of this variant in disease. Therefore, it has been classified as a Variant of Uncertain Significance.

NC_000009.11:g.(?_20758069)_(20765092_?)del

Gene: FOCAD (focadhesin; plus strand). Cytogenetic location: 9p21.3.
Variant type: Deletion.
Identifiers: ClinVar variation 3245358 (VCV003245358.1).